The following is an entry in ClinVar:

ClinVar aggregate classification (germline): Conflicting classifications of pathogenicity. Review status: criteria provided, conflicting classifications (1 of 4 stars). 8 submissions from 8 submitters: Uncertain significance (2); Likely benign (5). 1 of the submissions does not count toward it. Last evaluated 2026-03-01.

Conditions:
ARID1B-Related Disorder. Identifiers: MedGen CN381337.
Inborn genetic diseases. Identifiers: MedGen C0950123, MeSH D030342.
Coffin-Siris syndrome 1 (CSS1). Also called: Mental retardation, autosomal dominant 12; ARID1B-Related Coffin-Siris Syndrome. Identifiers: Orphanet 1465, MedGen C3281201, MONDO:0007617, OMIM 135900. Disease mechanism: gain of function.

Allele frequency attached by ClinVar (database versions not stated): ExAC below 0.00001; gnomAD 0.00008 and 0.00031; TOPMed 0.00023; gnomAD exomes 0.00035; 1000 Genomes Project 30x 0.00078.
gnomAD v4.1: 442 of 1,250,118 alleles (0.035%); highest among the groups gnomAD compares: South Asian, 1%; 2 homozygotes.

Submissions (8):

CeGaT Center for Human Genetics Tuebingen
Classification: Likely benign. Last evaluated: 2026-03-01. Review status: criteria provided, single submitter. Criteria: CeGaT Center For Human Genetics Tuebingen Variant Classification Criteria Version 2. Collection method: clinical testing. Allele origin: germline. Affected: yes. Observed: 6 variant alleles.
Comment: ARID1B: BS1

Labcorp Genetics (formerly Invitae), Labcorp
Classification: Likely benign. Last evaluated: 2026-01-06. Review status: criteria provided, single submitter. Criteria: Invitae Variant Classification Sherloc (09022015). Collection method: clinical testing. Allele origin: germline.

Blueprint Genetics
Classification: Likely benign. Last evaluated: 2024-11-05. Review status: criteria provided, single submitter. Criteria: ACMG Guidelines, 2015. Collection method: clinical testing. Allele origin: germline.

Revvity Omics, Revvity
Classification: Uncertain significance for Coffin-Siris syndrome 1. Last evaluated: 2023-10-30. Review status: criteria provided, single submitter. Criteria: ACMG Guidelines, 2015. Collection method: clinical testing. Allele origin: germline.

New York Genome Center
Classification: Uncertain significance for Coffin-Siris syndrome 1. Last evaluated: 2021-12-22. Review status: criteria provided, single submitter. Criteria: NYGC Assertion Criteria 2020. Collection method: clinical testing. Allele origin: germline. Observed: 1 heterozygote. Study: CSER-NYCKidSeq.

GeneDx
Classification: Likely benign. Last evaluated: 2020-11-30. Review status: criteria provided, single submitter. Criteria: GeneDx Variant Classification Process June 2021. Collection method: clinical testing. Allele origin: germline. Affected: yes.
Comment: This variant is associated with the following publications: (PMID: 22405089)

Ambry Genetics
Classification: Likely benign for Inborn genetic diseases. Last evaluated: 2019-04-15. Review status: criteria provided, single submitter. Criteria: Ambry Variant Classification Scheme 2023. Collection method: clinical testing. Allele origin: germline.

PreventionGenetics, part of Exact Sciences
Classification: Likely benign for ARID1B-related condition. Last evaluated: 2024-09-06. Review status: no assertion criteria provided. Collection method: clinical testing. Allele origin: germline. Not counted in ClinVar's aggregate classification.
Comment: This variant is classified as likely benign based on ACMG/AMP sequence variant interpretation guidelines (Richards et al. 2015 PMID: 25741868, with internal and published modifications).

NM_001374828.1(ARID1B):c.1337C>T (p.Ala446Val)

Gene: ARID1B (AT-rich interaction domain 1B; plus strand). Cytogenetic location: 6q25.3.
Variant type: single nucleotide variant.
Coding change: c.1337C>T on transcript NM_001374828.1 (MANE Select); coding-DNA position 1337, C replaced by T.
Protein change: p.Ala446Val; replaces alanine 446 with valine.
Molecular consequence: missense variant.
Genome position (GRCh38, 1-based): chr6:156,779,017, C>T. VCF-style: chr6-156779017-C-T. GRCh37 (hg19) VCF-style: chr6-157100151-C-T.
Other names: c.1337C>T, p.Ala446Val (NM_001371656.1, NM_001374820.1, NM_017519.3); c.1088C>T, p.Ala363Val (NM_001346813.1, NM_020732.3); short protein forms A363V, A446V.
Identifiers: ClinVar variation 588639 (VCV000588639.81), dbSNP rs748273011, ClinGen allele CA4066732.
Genomic context (GRCh38, chr6:156,779,017, plus strand): 5'-CCGCGGCGGCGGCGGCAGCAGCAGGAGGCGGCGGCGGCGGCGGCTATGGGGGCTCGTCCG[C>T]GGGGTACGGGGTGCTGAGCTCCCCCCGGCAGCAGGGCGGCGGCATGATGATGGGCCCCGG-3'
Protein context (NP_001361757.1, residues 436-456): GGGGGYGGSS[Ala446Val]GYGVLSSPRQ